The following is an entry in ClinVar:

NM_004370.6(COL12A1):c.987T>C (p.Ser329=)

Gene: COL12A1 (collagen type XII alpha 1 chain; minus strand). Cytogenetic location: 6q13.
Variant type: single nucleotide variant.
Coding change: c.987T>C on transcript NM_004370.6 (MANE Select); coding-DNA position 987, T replaced by C.
Protein change: p.Ser329=; no amino-acid change (serine 329 retained).
Molecular consequence: synonymous variant. On other transcripts: intron variant (1).
Genome position (GRCh38, 1-based): chr6:75,188,372, A>G on the plus strand (T>C on the coding strand, the complement: COL12A1 is on the minus strand). VCF-style: chr6-75188372-A-G. GRCh37 (hg19) VCF-style: chr6-75898088-A-G.
Other names: c.987T>C (NM_004370.5); c.73+14348T>C (NM_080645.3).
Identifiers: ClinVar variation 1898428 (VCV001898428.6), dbSNP rs772109050, ClinGen allele CA3894304.

ClinVar aggregate classification (germline): Benign/Likely benign. Review status: criteria provided, multiple submitters, no conflicts (2 of 4 stars). 2 submissions from 2 submitters: Benign (1); Likely benign (1). Last evaluated 2025-09-24.

Conditions:
COL12A1-related disorder. Also called: COL12A1-related condition.
Bethlem myopathy 2 (BTHLM2). Identifiers: Orphanet 536516, Orphanet 610, MedGen C4225313, MONDO:0034022, OMIM 616471.
Ullrich congenital muscular dystrophy 2 (UCMD2). Identifiers: Orphanet 75840, MedGen C4225314, MONDO:0014654, OMIM 616470.

Allele frequency attached by ClinVar (database versions not stated): TOPMed 0.00001; gnomAD 0.00002; gnomAD exomes 0.00004; ExAC 0.00005.
gnomAD v4.1: 67 of 1,613,138 alleles (0.0042%); highest among the groups gnomAD compares: East Asian, 0.12%; no homozygotes.

Submissions (2):

PreventionGenetics, part of Exact Sciences
Classification: Likely benign for COL12A1-related condition. Last evaluated: 2025-09-24. Review status: criteria provided, single submitter. Criteria: ACMG Guidelines, 2015. Collection method: clinical testing. Allele origin: germline.
Comment: This variant is classified as likely benign based on ACMG/AMP sequence variant interpretation guidelines (Richards et al. 2015 PMID: 25741868, with internal and published modifications).

Labcorp Genetics (formerly Invitae), Labcorp
Classification: Benign for Bethlem myopathy 2; Ullrich congenital muscular dystrophy 2. Last evaluated: 2025-08-17. Review status: criteria provided, single submitter. Criteria: Invitae Variant Classification Sherloc (09022015). Collection method: clinical testing. Allele origin: germline.